The following is an entry in ClinVar:

ClinVar aggregate classification (germline): Uncertain significance (1 of 4 stars; one submission).

Conditions:
Hypertrophic cardiomyopathy. Also called: HYPERTROPHIC MYOCARDIOPATHY. Identifiers: Orphanet 217569, MedGen C0007194, MeSH D002312, MONDO:0005045, HP:0001639.

Submission:

Labcorp Genetics (formerly Invitae), Labcorp
Classification: Uncertain significance for Hypertrophic cardiomyopathy. Last evaluated: 2019-12-24. Review status: criteria provided, single submitter. Criteria: Invitae Variant Classification Sherloc (09022015). Collection method: clinical testing. Allele origin: germline.
Comment: This variant is a gross deletion of the genomic region encompassing exons 32-40 of the MYH7 gene. The 5' boundary is likely confined to intron 31. The 3' end of this event is unknown as it extends through the termination codon beyond the assayed region for this gene and may encompass additional genes. While this deletion is not anticipated to result in nonsense mediated decay, it is expected to create a truncated protein product or disrupt mRNA translation. This variant has not been reported in the literature in individuals with MYH7-related conditions. In summary, the available evidence is currently insufficient to determine the role of this variant in disease. Therefore, it has been classified as a Variant of Uncertain Significance.

NC_000014.9:g.(?_23388145)_(23417328_?)del

Genes: MIR208A (microRNA 208a; minus strand), MYH6 (myosin heavy chain 6; minus strand), MYH7 (myosin heavy chain 7; minus strand). Cytogenetic location: 14q11.2.
Variant type: Deletion.
Identifiers: ClinVar variation 831471 (VCV000831471.1).